The following is an entry in ClinVar:

ClinVar aggregate classification (germline): Conflicting classifications of pathogenicity. Review status: criteria provided, conflicting classifications (1 of 4 stars). 3 submissions from 1 submitter: Uncertain significance (2); Likely benign (1). Last evaluated 2018-01-12.

Conditions:
Hereditary spherocytosis type 4. Also called: SLC4A1-Related Spherocytosis. Identifiers: Orphanet 822, MedGen C2675212, MONDO:0012981, OMIM 612653.
Autosomal dominant distal renal tubular acidosis (DRTA1). Also called: RTA, CLASSIC TYPE; RTA, DISTAL TYPE, AUTOSOMAL DOMINANT; RTA, GRADIENT TYPE; Renal Tubular Acidosis, Type I; RENAL TUBULAR ACIDOSIS, DISTAL, 1. Identifiers: Orphanet 93608, MedGen CN280572, MONDO:0008368, OMIM 179800.
Hemolytic anemia. Identifiers: MedGen C0002878, MONDO:0003664, HP:0001878.

Allele frequency attached by ClinVar (database versions not stated): gnomAD 0.00001; gnomAD exomes 0.00002; TOPMed 0.00002; ExAC 0.00003.
gnomAD v4.1: 25 of 1,614,070 alleles (0.0015%); highest among the groups gnomAD compares: Middle Eastern, 0.016%; no homozygotes.

Submissions (3):

Illumina Laboratory Services, Illumina
Classification: Likely benign for Autosomal dominant distal renal tubular acidosis. Last evaluated: 2018-01-12. Review status: criteria provided, single submitter. Criteria: ICSL Variant Classification Criteria 13 December 2019. Collection method: clinical testing. Allele origin: germline.
Comment: This variant was observed in the ICSL laboratory as part of a predisposition screen in an ostensibly healthy population. It had not been previously curated by ICSL or reported in the Human Gene Mutation Database (HGMD: prior to June 1st, 2018), and was therefore a candidate for classification through an automated scoring system. Utilizing variant allele frequency, disease prevalence and penetrance estimates, and inheritance mode, an automated score was calculated to assess if this variant is too frequent to cause the disease. Based on the score and internal cut-off values, a variant classified as likely benign is not then subjected to further curation. The score for this variant resulted in a classification of likely benign for this disease.

Illumina Laboratory Services, Illumina
Classification: Uncertain significance for Hemolytic anemia. Last evaluated: 2018-01-12. Review status: criteria provided, single submitter. Criteria: ICSL Variant Classification Criteria 13 December 2019. Collection method: clinical testing. Allele origin: germline.

Illumina Laboratory Services, Illumina
Classification: Uncertain significance for Hereditary spherocytosis type 4. Last evaluated: 2018-01-12. Review status: criteria provided, single submitter. Criteria: ICSL Variant Classification Criteria 13 December 2019. Collection method: clinical testing. Allele origin: germline.

NM_000342.4(SLC4A1):c.1928C>T (p.Ser643Phe)

Gene: SLC4A1 (solute carrier family 4 member 1 (Diego blood group); minus strand). Cytogenetic location: 17q21.31.
Variant type: single nucleotide variant.
Coding change: c.1928C>T on transcript NM_000342.4 (MANE Select); coding-DNA position 1928, C replaced by T.
Protein change: p.Ser643Phe; replaces serine 643 with phenylalanine.
Molecular consequence: missense variant.
Genome position (GRCh38, 1-based): chr17:44,254,625, G>A on the plus strand (C>T on the coding strand, the complement: SLC4A1 is on the minus strand). VCF-style: chr17-44254625-G-A. GRCh37 (hg19) VCF-style: chr17-42331993-G-A.
Other names: short protein forms S643F.
Identifiers: ClinVar variation 889445 (VCV000889445.4), dbSNP rs763988041, ClinGen allele CA8600164.